The following is an entry in ClinVar:

ClinVar aggregate classification (germline): Likely pathogenic (1 of 4 stars; one submission).

Conditions:
Ulnar-mammary syndrome (UMS). Also called: Ulnar-mammary syndrome of Pallister; PALLISTER ULNAR-MAMMARY SYNDROME; SCHINZEL SYNDROME. Identifiers: Orphanet 3138, MedGen C1866994, MONDO:0008411, OMIM 181450.

Submission:

Variantyx, Inc.
Classification: Likely pathogenic for Ulnar-mammary syndrome. Last evaluated: 2025-11-25. Review status: criteria provided, single submitter. Criteria: Variantyx Assertion Criteria 2022. Collection method: clinical testing. Allele origin: germline. Inheritance: Autosomal dominant inheritance. Affected: no.
Comment: This is a frameshift variant in the TBX3 gene (OMIM: 601621). Pathogenic variants in this gene have been associated with autosomal dominant ulnar-mammary syndrome, characterized by variable limb anomalies including ulnar ray defects, hypoplasia of mammary and apocrine glands, dental anomalies, genital hypoplasia and cardiac defects. This variant introduces a premature termination and is expected to result in loss of function, which is a known disease mechanism for TBX3 in this disorder (PMID: 12668170, 16896345, 16892408, 11689487) (PVS1). This variant is absent from control populations (PM2). Inter- and intrafamilial clinical variability has been described for autosomal dominant ulnar-mammary syndrome (PMID: 28145909, 30654152). Based on the current evidence, this variant is classified as likely pathogenic for autosomal dominant ulnar-mammary syndrome.

Literature cited by the submitters: PubMed 12668170; PubMed 16896345; PubMed 16892408; PubMed 11689487.

NM_005996.4(TBX3):c.1019del (p.Val340fs)

Gene: TBX3 (T-box transcription factor 3; minus strand). Cytogenetic location: 12q24.21.
Variant type: Deletion.
Coding change: c.1019del on transcript NM_005996.4 (MANE Select); coding-DNA position 1019, one base deleted (T; older notation c.1019delT).
Protein change: p.Val340fs; shifts the reading frame from valine 340.
Molecular consequence: frameshift variant.
Genome position (GRCh38, 1-based): chr12:114,676,333, A deleted on the plus strand (T on the coding strand, the reverse complement: TBX3 is on the minus strand). VCF-style (leftmost placement, unchanged base first): chr12-114676332-TA-T. GRCh37 (hg19) VCF-style: chr12-115114137-TA-T.
Other names: c.1079del, p.Val360fs (NM_016569.4); short protein forms V340fs, V360fs.
Identifiers: ClinVar variation 4850196 (VCV004850196.1).